The following is an entry in ClinVar:

NM_172107.4(KCNQ2):c.388-271A>G

Gene: KCNQ2 (potassium voltage-gated channel subfamily Q member 2; minus strand). Cytogenetic location: 20q13.33.
Variant type: single nucleotide variant.
Coding change: c.388-271A>G on transcript NM_172107.4 (MANE Select); 271 bases into the intron before coding-DNA position 388, A replaced by G.
Molecular consequence: intron variant.
Genome position (GRCh38, 1-based): chr20:63,445,635, T>C on the plus strand (A>G on the coding strand, the complement: KCNQ2 is on the minus strand). VCF-style: chr20-63445635-T-C. GRCh37 (hg19) VCF-style: chr20-62076988-T-C.
Other names: c.388-271A>G (NM_004518.6, NM_172108.5, NM_172106.3 and 1 more transcripts).
Identifiers: ClinVar variation 683726 (VCV000683726.1), dbSNP rs13036409, ClinGen allele CA15960471.

ClinVar aggregate classification (germline): Benign (1 of 4 stars; one submission).

Allele frequency attached by ClinVar (database versions not stated): gnomAD exomes 0.01444; gnomAD 0.62249 and 0.62793.
gnomAD v4.1: 13,390 of 214,648 alleles (6.2%); highest among the groups gnomAD compares: African/African-American, 25%; 4,341 homozygotes.

Submission:

GeneDx
Classification: Benign. Last evaluated: 2018-06-18. Review status: criteria provided, single submitter. Criteria: GeneDx Variant Classification (06012015). Collection method: clinical testing. Allele origin: germline. Affected: yes.
Comment: This variant is considered likely benign or benign based on one or more of the following criteria: it is a conservative change, it occurs at a poorly conserved position in the protein, it is predicted to be benign by multiple in silico algorithms, and/or has population frequency not consistent with disease.